The following is an entry in ClinVar:

NM_006904.7(PRKDC):c.10013C>T (p.Ala3338Val)

Gene: PRKDC (protein kinase, DNA-activated, catalytic subunit; minus strand). Cytogenetic location: 8q11.21.
Variant type: single nucleotide variant.
Coding change: c.10013C>T on transcript NM_006904.7 (MANE Select); coding-DNA position 10013, C replaced by T.
Protein change: p.Ala3338Val; replaces alanine 3338 with valine.
Molecular consequence: missense variant.
Genome position (GRCh38, 1-based): chr8:47,800,896, G>A on the plus strand (C>T on the coding strand, the complement: PRKDC is on the minus strand). VCF-style: chr8-47800896-G-A. GRCh37 (hg19) VCF-style: chr8-48713457-G-A.
Other names: c.10013C>T, p.Ala3338Val (NM_001081640.2); short protein forms A3338V.
Identifiers: ClinVar variation 858897 (VCV000858897.4), dbSNP rs576578016, ClinGen allele CA4739422.
Genomic context (GRCh38, chr8:47,800,896, plus strand): 5'-CTTCTAGCCTTGTCCTCCTCGATTTCAGCAAGGCAGGCTGGCTCACTGCTGAGAGCATTC[G>A]CTATGATCCTGTAAGTTGTACCCAAGAGAATGTTCTGGTCACGGAAAGCCAGAATATTTT-3'
Protein context (NP_008835.5, residues 3328-3348): ILLGTTYRII[Ala3338Val]NALSSEPACL

ClinVar aggregate classification (germline): Uncertain significance (1 of 4 stars; one submission).

Conditions:
Severe combined immunodeficiency due to DNA-PKcs deficiency. Also called: Immunodeficiency 26 with or without neurologic abnormalities; IMMUNODEFICIENCY 26 WITH NEUROLOGIC ABNORMALITIES. Identifiers: Orphanet 317425, MedGen C4014833, MONDO:0014423, OMIM 615966.

Allele frequency attached by ClinVar (database versions not stated): gnomAD 0.00002; TOPMed 0.00003; ExAC 0.00006; gnomAD exomes 0.00007 and 0.00009.
gnomAD v4.1: 125 of 1,613,618 alleles (0.0077%); highest among the groups gnomAD compares: Non-Finnish European, 0.0096%; no homozygotes.

Submission:

Labcorp Genetics (formerly Invitae), Labcorp
Classification: Uncertain significance for Severe combined immunodeficiency due to DNA-PKcs deficiency. Last evaluated: 2026-01-18. Review status: criteria provided, single submitter. Criteria: Invitae Variant Classification Sherloc (09022015). Collection method: clinical testing. Allele origin: germline.
Comment: This sequence change replaces alanine, which is neutral and non-polar, with valine, which is neutral and non-polar, at codon 3338 of the PRKDC protein (p.Ala3338Val). This variant is present in population databases (rs576578016, gnomAD 0.02%). This variant has not been reported in the literature in individuals affected with PRKDC-related conditions. ClinVar contains an entry for this variant (Variation ID: 858897). Invitae Evidence Modeling of protein sequence and biophysical properties (such as structural, functional, and spatial information, amino acid conservation, physicochemical variation, residue mobility, and thermodynamic stability) indicates that this missense variant is not expected to disrupt PRKDC protein function with a negative predictive value of 80%. In summary, the available evidence is currently insufficient to determine the role of this variant in disease. Therefore, it has been classified as a Variant of Uncertain Significance.